The following is an entry in ClinVar:

ClinVar aggregate classification (germline): Uncertain significance (1 of 4 stars; one submission).

gnomAD v4.1: 2 of 1,614,116 alleles (0.00012%); highest among the groups gnomAD compares: East Asian, 0.0022%; no homozygotes.

Submission:

Labcorp Genetics (formerly Invitae), Labcorp
Classification: Uncertain significance. Last evaluated: 2025-07-01. Review status: criteria provided, single submitter. Criteria: Invitae Variant Classification Sherloc (09022015). Collection method: clinical testing. Allele origin: germline.
Comment: This sequence change replaces threonine, which is neutral and polar, with alanine, which is neutral and non-polar, at codon 1484 of the LTBP2 protein (p.Thr1484Ala). This variant is present in population databases (no rsID available, gnomAD 0.006%). This variant has not been reported in the literature in individuals affected with LTBP2-related conditions. An algorithm developed to predict the effect of missense changes on protein structure and function (PolyPhen-2) suggests that this variant is likely to be disruptive. In summary, the available evidence is currently insufficient to determine the role of this variant in disease. Therefore, it has been classified as a Variant of Uncertain Significance.

NM_000428.3(LTBP2):c.4450A>G (p.Thr1484Ala)

Gene: LTBP2 (latent transforming growth factor beta binding protein 2; minus strand). Cytogenetic location: 14q24.3.
Variant type: single nucleotide variant.
Coding change: c.4450A>G on transcript NM_000428.3 (MANE Select); coding-DNA position 4450, A replaced by G.
Protein change: p.Thr1484Ala; replaces threonine 1484 with alanine.
Molecular consequence: missense variant.
Genome position (GRCh38, 1-based): chr14:74,504,781, T>C on the plus strand (A>G on the coding strand, the complement: LTBP2 is on the minus strand). VCF-style: chr14-74504781-T-C. GRCh37 (hg19) VCF-style: chr14-74971484-T-C.
Other names: short protein forms T1484A.
Identifiers: ClinVar variation 4780996 (VCV004780996.1).